The following is an entry in ClinVar:

NM_001382391.1(CSPP1):c.3354A>G (p.Ala1118=)

Genes: ARFGEF1 (ARF guanine nucleotide exchange factor 1; minus strand), CSPP1 (centrosome and spindle pole associated protein 1; plus strand). Cytogenetic location: 8q13.2.
Variant type: single nucleotide variant.
Coding change: c.3354A>G on transcript NM_001382391.1 (MANE Select); coding-DNA position 3354, A replaced by G.
Protein change: p.Ala1118=; no amino-acid change (alanine 1118 retained).
Molecular consequence: synonymous variant. On other transcripts: intron variant (3).
Genome position (GRCh38, 1-based): chr8:67,193,487, A>G. VCF-style: chr8-67193487-A-G. GRCh37 (hg19) VCF-style: chr8-68105722-A-G.
Other names: c.3420A>G, p.Ala1140= (NM_001364869.1); c.3240A>G, p.Ala1080= (NM_001364870.1); c.3186A>G, p.Ala1062= (NM_001438330.1); c.2655A>G, p.Ala885= (NM_001438332.1); c.3339A>G, p.Ala1113= (NM_024790.7); c.3316-1895A>G (NM_001438331.1); c.5367+6909T>C (NM_001413186.1); c.5385+6909T>C (NM_001413187.1); and 4 more.
Identifiers: ClinVar variation 2062083 (VCV002062083.6), dbSNP rs557509288, ClinGen allele CA4771153.
Genomic context (GRCh38, chr8:67,193,487, plus strand): 5'-GTTAATGACTTTCTGAAGTTCTGTTTTCTAACTACAGGATAGCAGTCGTCCTAATGTAGC[A>G]CCAGATGGTCTCTCTCTAAAATCTATATCCAGTGTAAATGTTGATGAGCTTAGAGTGAGA-3'
Protein context (NP_001369320.1, residues 1108-1128): LDIDSSRPNV[Ala1118=]PDGLSLKSIS

ClinVar aggregate classification (germline): Likely benign. Review status: criteria provided, multiple submitters, no conflicts (2 of 4 stars). 3 submissions from 3 submitters: Likely benign (2). 1 of the submissions does not count toward it. Last evaluated 2023-11-01.

Conditions:
Joubert syndrome 21 (JBTS21). Identifiers: MedGen C3810212, MONDO:0014288, OMIM 615636.
CSPP1-related disorder. Also called: CSPP1-related condition.

Allele frequency attached by ClinVar (database versions not stated): gnomAD exomes below 0.00001; ExAC 0.00001; TOPMed 0.00005; 1000 Genomes Project 0.00020; gnomAD 0.00004; 1000 Genomes Project 30x 0.00016.
gnomAD v4.1: 11 of 1,613,504 alleles (0.00068%); highest among the groups gnomAD compares: East Asian, 0.0067%; no homozygotes.

Submissions (3):

Blueprint Genetics
Classification: Likely benign. Last evaluated: 2023-11-01. Review status: criteria provided, single submitter. Criteria: ACMG Guidelines, 2015. Collection method: clinical testing. Allele origin: germline.

Labcorp Genetics (formerly Invitae), Labcorp
Classification: Likely benign for Joubert syndrome 21. Last evaluated: 2022-09-06. Review status: criteria provided, single submitter. Criteria: Invitae Variant Classification Sherloc (09022015). Collection method: clinical testing. Allele origin: germline.

PreventionGenetics, part of Exact Sciences
Classification: Likely benign for CSPP1-related condition. Last evaluated: 2019-06-24. Review status: no assertion criteria provided. Collection method: clinical testing. Allele origin: germline. Not counted in ClinVar's aggregate classification.
Comment: This variant is classified as likely benign based on ACMG/AMP sequence variant interpretation guidelines (Richards et al. 2015 PMID: 25741868, with internal and published modifications).